The following is an entry in ClinVar:

ClinVar aggregate classification (germline): Likely pathogenic (1 of 4 stars; one submission).

Conditions:
Autosomal recessive limb-girdle muscular dystrophy. Identifiers: Orphanet 102015, MedGen C2931907, MONDO:0015152.

Submission:

Women's Health and Genetics/Laboratory Corporation of America, LabCorp
Classification: Likely pathogenic for Autosomal recessive limb-girdle muscular dystrophy. Last evaluated: 2022-10-04. Review status: criteria provided, single submitter. Criteria: LabCorp Variant Classification Summary - May 2015. Collection method: clinical testing. Allele origin: germline.
Comment: Variant summary: FKRP c.19C>T (p.Gln7X) results in a premature termination codon, predicted to cause a truncation of the encoded protein or absence of the protein due to nonsense mediated decay, which are commonly known mechanisms for disease. The next downstream in-frame potential start site is located at Met144, however several truncations upstream of this position have been reported in individuals affected with Limb Girdle Muscular Dystrophy in HGMD. The variant was absent in 237562 control chromosomes (gnomAD). To our knowledge, no occurrence of c.19C>T in individuals affected with Limb-Girdle Muscular Dystrophy, Autosomal Recessive and no experimental evidence demonstrating its impact on protein function have been reported. No clinical diagnostic laboratories have submitted clinical-significance assessments for this variant to ClinVar after 2014. Based on the evidence outlined above, the variant was classified as likely pathogenic.

NM_024301.5(FKRP):c.19C>T (p.Gln7Ter)

Gene: FKRP (fukutin related protein; plus strand). Cytogenetic location: 19q13.32.
Variant type: single nucleotide variant.
Coding change: c.19C>T on transcript NM_024301.5 (MANE Select); coding-DNA position 19, C replaced by T.
Protein change: p.Gln7Ter; replaces glutamine 7 with a stop codon.
Molecular consequence: nonsense.
Genome position (GRCh38, 1-based): chr19:46,755,469, C>T. VCF-style: chr19-46755469-C-T. GRCh37 (hg19) VCF-style: chr19-47258726-C-T.
Other names: c.19C>T, p.Gln7Ter (NM_001039885.3); short protein forms Q7*.
Identifiers: ClinVar variation 1723449 (VCV001723449.1), dbSNP rs2513984206, ClinGen allele CA406494506.
Genomic context (GRCh38, chr19:46,755,469, plus strand): 5'-CAGGATGCCCCGGAGGCCCAGCTAGCCCCAGACTTCGGCCCCATGCGGCTCACCCGCTGC[C>T]AGGCTGCCCTGGCGGCCGCCATCACCCTCAACCTTCTGGTCCTCTTCTATGTCTCGTGGC-3'